The following is an entry in ClinVar:

ClinVar aggregate classification (germline): Uncertain significance (1 of 4 stars; one submission).

Conditions:
Chédiak-Higashi syndrome (CHS). Also called: Chediak-Higashi Syndrome. Identifiers: Orphanet 167, MedGen C0007965, MONDO:0008963, OMIM 214500.

Submission:

Labcorp Genetics (formerly Invitae), Labcorp
Classification: Uncertain significance for Chédiak-Higashi syndrome. Last evaluated: 2021-11-01. Review status: criteria provided, single submitter. Criteria: Invitae Variant Classification Sherloc (09022015). Collection method: clinical testing. Allele origin: germline.
Comment: In summary, the available evidence is currently insufficient to determine the role of this variant in disease. Therefore, it has been classified as a Variant of Uncertain Significance. Algorithms developed to predict the effect of missense changes on protein structure and function output the following: SIFT: "Tolerated"; PolyPhen-2: "Benign"; Align-GVGD: "Class C0". The alanine amino acid residue is found in multiple mammalian species, which suggests that this missense change does not adversely affect protein function. This variant has not been reported in the literature in individuals affected with LYST-related conditions. This variant is not present in population databases (gnomAD no frequency). This sequence change replaces serine, which is neutral and polar, with alanine, which is neutral and non-polar, at codon 2149 of the LYST protein (p.Ser2149Ala).

NM_000081.4(LYST):c.6445T>G (p.Ser2149Ala)

Gene: LYST (lysosomal trafficking regulator; minus strand). Cytogenetic location: 1q42.3.
Variant type: single nucleotide variant.
Coding change: c.6445T>G on transcript NM_000081.4 (MANE Select); coding-DNA position 6445, T replaced by G.
Protein change: p.Ser2149Ala; replaces serine 2149 with alanine.
Molecular consequence: missense variant.
Genome position (GRCh38, 1-based): chr1:235,759,408, A>C on the plus strand (T>G on the coding strand, the complement: LYST is on the minus strand). VCF-style: chr1-235759408-A-C. GRCh37 (hg19) VCF-style: chr1-235922708-A-C.
Other names: c.6445T>G, p.Ser2149Ala (NM_001301365.1); short protein forms S2149A.
Identifiers: ClinVar variation 1372485 (VCV001372485.5), dbSNP rs756757873, ClinGen allele CA344941907.